The following is an entry in ClinVar:

NM_001081.4(CUBN):c.5353T>G (p.Leu1785Val)

Gene: CUBN (cubilin; minus strand). Cytogenetic location: 10p13.
Variant type: single nucleotide variant.
Coding change: c.5353T>G on transcript NM_001081.4 (MANE Select); coding-DNA position 5353, T replaced by G.
Protein change: p.Leu1785Val; replaces leucine 1785 with valine.
Molecular consequence: missense variant.
Genome position (GRCh38, 1-based): chr10:16,940,227, A>C on the plus strand (T>G on the coding strand, the complement: CUBN is on the minus strand). VCF-style: chr10-16940227-A-C. GRCh37 (hg19) VCF-style: chr10-16982226-A-C.
Other names: short protein forms L1785V.
Identifiers: ClinVar variation 4984819 (VCV004984819.1).

ClinVar aggregate classification (germline): Uncertain significance (1 of 4 stars; one submission).

Conditions:
CUBN-related disorder. Also called: CUBN-related condition.

Submission:

PreventionGenetics, part of Exact Sciences
Classification: Uncertain significance for CUBN-related condition. Last evaluated: 2025-02-06. Review status: criteria provided, single submitter. Criteria: ACMG Guidelines, 2015. Collection method: clinical testing. Allele origin: germline.
Comment: The CUBN c.5353T>G variant is predicted to result in the amino acid substitution p.Leu1785Val. To our knowledge, this variant has not been reported in the literature or in a large population database (gnomAD), indicating this variant is rare. At this time, the clinical significance of this variant is uncertain due to the absence of conclusive functional and genetic evidence.